The following is an entry in ClinVar:

ClinVar aggregate classification (germline): Uncertain significance (1 of 4 stars; one submission).

Conditions:
Charcot-Marie-Tooth disease type 4. Also called: Charcot-Marie-Tooth, Type 4; Charcot-Marie-Tooth disease, type IV. Identifiers: Orphanet 64749, MedGen C4082197, MONDO:0018995.

Allele frequency attached by ClinVar (database versions not stated): gnomAD exomes below 0.00001; TOPMed below 0.00001; ExAC 0.00001.
gnomAD v4.1: 1 of 1,613,118 alleles (0.000062%); highest among the groups gnomAD compares: East Asian, 0.0022%; no homozygotes.

Submission:

Labcorp Genetics (formerly Invitae), Labcorp
Classification: Uncertain significance for Charcot-Marie-Tooth disease type 4. Last evaluated: 2020-01-03. Review status: criteria provided, single submitter. Criteria: Invitae Variant Classification Sherloc (09022015). Collection method: clinical testing. Allele origin: germline.
Comment: In summary, the available evidence is currently insufficient to determine the role of this variant in disease. Therefore, it has been classified as a Variant of Uncertain Significance. Algorithms developed to predict the effect of missense changes on protein structure and function are either unavailable or do not agree on the potential impact of this missense change (SIFT: "Deleterious"; PolyPhen-2: "Probably Damaging"; Align-GVGD: "Class C15"). This variant has not been reported in the literature in individuals with PRX-related conditions. This variant is present in population databases (rs750822167, ExAC 0.01%). This sequence change replaces glycine with cysteine at codon 341 of the PRX protein (p.Gly341Cys). The glycine residue is highly conserved and there is a large physicochemical difference between glycine and cysteine.

NM_181882.3(PRX):c.1021G>T (p.Gly341Cys)

Gene: PRX (periaxin; minus strand). Cytogenetic location: 19q13.2.
Variant type: single nucleotide variant.
Coding change: c.1021G>T on transcript NM_181882.3 (MANE Select); coding-DNA position 1021, G replaced by T.
Protein change: p.Gly341Cys; replaces glycine 341 with cysteine.
Molecular consequence: missense variant. On other transcripts: 3 prime UTR variant (1).
Genome position (GRCh38, 1-based): chr19:40,397,331, C>A on the plus strand (G>T on the coding strand, the complement: PRX is on the minus strand). VCF-style: chr19-40397331-C-A. GRCh37 (hg19) VCF-style: chr19-40903238-C-A.
Other names: c.*1226G>T (NM_020956.2); short protein forms G341C.
Identifiers: ClinVar variation 1038760 (VCV001038760.8), dbSNP rs750822167, ClinGen allele CA9444338.